The following is an entry in ClinVar:

ClinVar aggregate classification (germline): Uncertain significance (1 of 4 stars; one submission).

Conditions:
Arrhythmogenic cardiomyopathy with wooly hair and keratoderma. Also called: Carvajal syndrome; PALMOPLANTAR KERATODERMA WITH LEFT VENTRICULAR CARDIOMYOPATHY AND WOOLLY HAIR; Dilated cardiomyopathy with woolly hair and keratoderma; Arrhythmogenic cardiomyopathy with woolly hair and keratoderma. Identifiers: Orphanet 65282, MedGen C1854063, MONDO:0011581, OMIM 605676.

Submission:

All of Us Research Program, National Institutes of Health
Classification: Uncertain significance for Arrhythmogenic cardiomyopathy with wooly hair and keratoderma. Last evaluated: 2024-05-30. Review status: criteria provided, single submitter. Criteria: ACMG Guidelines, 2015. Collection method: clinical testing. Allele origin: germline. Inheritance: Autosomal dominant inheritance. Observed: 1 variant allele, 1 heterozygote.
Comment: This missense variant replaces lysine with threonine at codon 1745 of the DSP protein. Computational prediction suggests that this variant may not impact protein structure and function (internally defined REVEL score threshold <= 0.5, PMID: 27666373). To our knowledge, functional studies have not been reported for this variant. This variant has not been reported in individuals affected with DSP-related disorders in the literature. This variant has not been identified in the general population by the Genome Aggregation Database (gnomAD). The available evidence is insufficient to determine the role of this variant in disease conclusively. Therefore, this variant is classified as a Variant of Uncertain Significance.

This study involves interpretation of variants in research participants for the purpose of population health screening. Participant phenotype was not available at the time of variant classification. Additional details can be found in publication PMID: 35346344, PMCID: PMC8962531

NM_004415.4(DSP):c.5234A>C (p.Lys1745Thr)

Gene: DSP (desmoplakin; plus strand). Cytogenetic location: 6p24.3.
Variant type: single nucleotide variant.
Coding change: c.5234A>C on transcript NM_004415.4 (MANE Select); coding-DNA position 5234, A replaced by C.
Protein change: p.Lys1745Thr; replaces lysine 1745 with threonine.
Molecular consequence: missense variant. On other transcripts: intron variant (2).
Genome position (GRCh38, 1-based): chr6:7,581,424, A>C. VCF-style: chr6-7581424-A-C. GRCh37 (hg19) VCF-style: chr6-7581657-A-C.
Other names: c.4050+1184A>C (NM_001319034.2); c.3583-1218A>C (NM_001008844.3); short protein forms K1745T.
Identifiers: ClinVar variation 3386687 (VCV003386687.1).